The following is an entry in ClinVar:

GRCh37/hg19 22q11.21(chr22:19647905-21153690)x1

Genes: ARVCF (ARVCF delta catenin family member; minus strand), COMT (catechol-O-methyltransferase; plus strand), DGCR6L (DiGeorge syndrome critical region gene 6 like; minus strand), DGCR8 (DGCR8 microprocessor complex subunit; plus strand), FAM230A (family with sequence similarity 230 member A; plus strand) and 21 more. Cytogenetic location: 22q11.21.
Variant type: copy number loss.
Change: copy number 1 (one copy instead of two) of chr22:19,647,905-21,153,690 (1.51 Mb, GRCh37 coordinates, 1-based), cytogenetic band 22q11.21.
Identifiers: ClinVar variation 1807875 (VCV001807875.1).

ClinVar aggregate classification (germline): Pathogenic (1 of 4 stars; one submission).

Submission:

Quest Diagnostics Nichols Institute San Juan Capistrano
Classification: Pathogenic. Last evaluated: 2022-03-25. Review status: criteria provided, single submitter. Criteria: ACMG/ClinGen CNV Guidelines, 2019. Collection method: clinical testing. Allele origin: unknown.
Comment: This copy number loss is associated with the proximal (LCR22 A-D) 22q11.2 deletion syndrome a.k.a., Velocardiofacial syndrome (VCFS) or DiGeorge syndrome (DGS) (OMIM 192430; OMIM 188400). Individuals with chromosome 22q11.2 deletion syndrome have a broad range of phenotypic findings, including congenital heart defects, particularly conotruncal malformations (tetralogy of Fallot, interrupted aortic arch, ventricular septal defect, and truncus arteriosus), palatal abnormalities, characteristic facial features, learning difficulties, and immune deficiency. Haploinsufficiency of the TBX1 gene in particular is responsible for most of the clinical features. Deletions of this locus are usually de novo, but can be inherited. See GeneReviews for additional information and references.